The following is an entry in ClinVar:

ClinVar aggregate classification (germline): Conflicting classifications of pathogenicity. Review status: criteria provided, conflicting classifications (1 of 4 stars). 4 submissions from 4 submitters: Likely pathogenic (1); Uncertain significance (3). Last evaluated 2023-10-22.

Conditions:
Primary ciliary dyskinesia. Also called: Ciliary dyskinesia. Identifiers: Orphanet 244, MedGen C0008780, MONDO:0016575, HP:0012265.
Usher syndrome. Also called: Usher's syndrome; Usher Syndromes. Identifiers: Orphanet 886, MedGen CN469326, MeSH D052245, MONDO:0019501. Disease mechanism: loss of function.
Primary ciliary dyskinesia 15. Also called: CILIARY DYSKINESIA, PRIMARY, 15, WITH OR WITHOUT SITUS INVERSUS. Identifiers: Orphanet 244, MedGen C3151137, MONDO:0013435, OMIM 613808.

Allele frequency attached by ClinVar (database versions not stated): gnomAD 0.00001; ExAC 0.00002; gnomAD exomes 0.00003; TOPMed 0.00005.

Submissions (4):

Labcorp Genetics (formerly Invitae), Labcorp
Classification: Uncertain significance for Primary ciliary dyskinesia. Last evaluated: 2023-10-22. Review status: criteria provided, single submitter. Criteria: Invitae Variant Classification Sherloc (09022015). Collection method: clinical testing. Allele origin: germline.
Comment: This sequence change replaces arginine, which is basic and polar, with glutamine, which is neutral and polar, at codon 633 of the CCDC40 protein (p.Arg633Gln). This variant is present in population databases (rs759468416, gnomAD 0.02%). This variant has not been reported in the literature in individuals affected with CCDC40-related conditions. ClinVar contains an entry for this variant (Variation ID: 892135). Advanced modeling of protein sequence and biophysical properties (such as structural, functional, and spatial information, amino acid conservation, physicochemical variation, residue mobility, and thermodynamic stability) performed at Invitae indicates that this missense variant is not expected to disrupt CCDC40 protein function. In summary, the available evidence is currently insufficient to determine the role of this variant in disease. Therefore, it has been classified as a Variant of Uncertain Significance.

Ambry Genetics
Classification: Uncertain significance for Primary ciliary dyskinesia. Last evaluated: 2023-10-14. Review status: criteria provided, single submitter. Criteria: Ambry Variant Classification Scheme 2023. Collection method: clinical testing. Allele origin: germline.

SN ONGC Dept of Genetics and Molecular biology Vision Research Foundation
Classification: Likely pathogenic for Usher syndrome. Last evaluated: 2022-12-31. Review status: criteria provided, single submitter. Criteria: ACMG Guidelines, 2015. Collection method: research. Allele origin: biparental. Affected: yes. Observed: 2 variant alleles, 2 homozygotes.

Illumina Laboratory Services, Illumina
Classification: Uncertain significance for Primary ciliary dyskinesia 15. Last evaluated: 2018-01-12. Review status: criteria provided, single submitter. Criteria: ICSL Variant Classification Criteria 13 December 2019. Collection method: clinical testing. Allele origin: germline.

NM_017950.4(CCDC40):c.1898G>A (p.Arg633Gln)

Gene: CCDC40 (coiled-coil domain 40 molecular ruler complex subunit; plus strand). Cytogenetic location: 17q25.3.
Variant type: single nucleotide variant.
Coding change: c.1898G>A on transcript NM_017950.4 (MANE Select); coding-DNA position 1898, G replaced by A.
Protein change: p.Arg633Gln; replaces arginine 633 with glutamine.
Molecular consequence: missense variant.
Genome position (GRCh38, 1-based): chr17:80,081,967, G>A. VCF-style: chr17-80081967-G-A. GRCh37 (hg19) VCF-style: chr17-78055766-G-A.
Other names: c.1898G>A, p.Arg633Gln (NM_001243342.2); short protein forms R633Q.
Identifiers: ClinVar variation 892135 (VCV000892135.31), dbSNP rs759468416, ClinGen allele CA8814048.
Genomic context (GRCh38, chr17:80,081,967, plus strand): 5'-CCATCCGCCAAGCCATCCAGGGCGAGCTGGAGCTCAGGAGGAAGACGGATGCTGCCATCC[G>A]GGAGAAGCTGCAGGAGCACATGACCTCCAACAAGACCACCAAATACTTCAACCAGCTCAT-3'
Protein context (NP_060420.2, residues 623-643): ELRRKTDAAI[Arg633Gln]EKLQEHMTSN